The following is an entry in ClinVar:

NM_032861.4(SERAC1):c.100A>G (p.Ile34Val)

Gene: SERAC1 (serine active site containing 1; minus strand). Cytogenetic location: 6q25.3.
Variant type: single nucleotide variant.
Coding change: c.100A>G on transcript NM_032861.4 (MANE Select); coding-DNA position 100, A replaced by G.
Protein change: p.Ile34Val; replaces isoleucine 34 with valine.
Molecular consequence: missense variant. On other transcripts: non-coding transcript variant (1).
Genome position (GRCh38, 1-based): chr6:158,155,343, T>C on the plus strand (A>G on the coding strand, the complement: SERAC1 is on the minus strand). VCF-style: chr6-158155343-T-C. GRCh37 (hg19) VCF-style: chr6-158576375-T-C.
Other names: short protein forms I34V.
Identifiers: ClinVar variation 5009990 (VCV005009990.1).

ClinVar aggregate classification (germline): Uncertain significance (1 of 4 stars; one submission).

Submission:

GeneDx
Classification: Uncertain significance. Last evaluated: 2026-03-03. Review status: criteria provided, single submitter. Criteria: GeneDx Variant Classification Process June 2021. Collection method: clinical testing. Allele origin: germline.
Comment: Not observed at significant frequency in large population cohorts (gnomAD); In silico analysis suggests that this missense variant does not alter protein structure/function; Has not been previously published as pathogenic or benign to our knowledge